The following is an entry in ClinVar:

NM_001134407.3(GRIN2A):c.1832T>A (p.Leu611Gln)

Gene: GRIN2A (glutamate ionotropic receptor NMDA type subunit 2A; minus strand). Cytogenetic location: 16p13.2.
Variant type: single nucleotide variant.
Coding change: c.1832T>A on transcript NM_001134407.3 (MANE Select); coding-DNA position 1832, T replaced by A.
Protein change: p.Leu611Gln; replaces leucine 611 with glutamine.
Molecular consequence: missense variant.
Genome position (GRCh38, 1-based): chr16:9,829,598, A>T on the plus strand (T>A on the coding strand, the complement: GRIN2A is on the minus strand). VCF-style: chr16-9829598-A-T. GRCh37 (hg19) VCF-style: chr16-9923455-A-T.
Other names: c.1832T>A, p.Leu611Gln (NM_000833.5, NM_001134408.2); c.1832T>A (NM_000833.3); short protein forms L611Q.
Identifiers: ClinVar variation 1325863 (VCV001325863.2), dbSNP rs2141312803, ClinGen allele CA394799743.

ClinVar aggregate classification (germline): Pathogenic/Likely pathogenic. Review status: criteria provided, multiple submitters, no conflicts (2 of 4 stars). 2 submissions from 2 submitters: Pathogenic (1); Likely pathogenic (1). Last evaluated 2022-05-16.

Conditions:
Landau-Kleffner syndrome (FESD). Also called: EPILEPSY, FOCAL, WITH SPEECH DISORDER AND WITH OR WITHOUT MENTAL RETARDATION; APHASIA, ACQUIRED, WITH EPILEPSY. Identifiers: Orphanet 1945, Orphanet 725, Orphanet 98818, MedGen C0282512, MONDO:0009509, OMIM 245570.

Submissions (2):

GeneDx
Classification: Pathogenic. Last evaluated: 2022-05-16. Review status: criteria provided, single submitter. Criteria: GeneDx Variant Classification Process June 2021. Collection method: clinical testing. Allele origin: germline. Affected: yes.
Comment: In silico analysis supports that this missense variant has a deleterious effect on protein structure/function; Not observed at significant frequency in large population cohorts (gnomAD); This variant is associated with the following publications: (PMID: 31429998, 27839871, 30544257)

Institute of Human Genetics, University of Leipzig Medical Center
Classification: Likely pathogenic for Landau-Kleffner syndrome. Last evaluated: 2019-01-01. Review status: criteria provided, single submitter. Criteria: ACMG Guidelines, 2015. Collection method: research. Allele origin: de novo. Affected: yes.

Literature cited by the submitters: PubMed 30544257 (cited by Institute of Human Genetics, University of Leipzig Medical Center).